The following is an entry in ClinVar:

ClinVar aggregate classification (germline): Uncertain significance (1 of 4 stars; one submission).

Conditions:
Intellectual developmental disorder with muscle tone abnormalities and distal skeletal defects (IDDMDS). Identifiers: MedGen C5774199, MONDO:0859277, OMIM 620007.

gnomAD v4.1: 36 of 1,614,036 alleles (0.0022%); highest among the groups gnomAD compares: South Asian, 0.0033%; no homozygotes.

Submission:

Kasturba Medical College, Manipal, Kasturba Medical College, Manipal, Manipal Academy of Higher Education, Manipal, India
Classification: Uncertain significance for Intellectual developmental disorder with muscle tone abnormalities and distal skeletal defects. Last evaluated: 2026-06-16. Review status: criteria provided, single submitter. Criteria: ACMG Guidelines, 2015. Collection method: research. Allele origin: biparental. Inheritance: Autosomal recessive inheritance. Affected: yes. Observed: 1 variant allele, 1 homozygote.
Comment: A novel stopgain variant, c.1495C>T in exon 8 of LGI3, was observed in a homozygous state in the porband. This variant is present in 36 individuals in a heterozygous state and absent in a homozygous state in the gnomAD population database (v4.1.0). The variant is not present in homozygous and/or heterozygous state in our in-house database of 4264 exomes.

NM_139278.4(LGI3):c.1495C>T (p.Arg499Ter)

Gene: LGI3 (leucine rich repeat LGI family member 3; minus strand). Cytogenetic location: 8p21.3.
Variant type: single nucleotide variant.
Coding change: c.1495C>T on transcript NM_139278.4 (MANE Select); coding-DNA position 1495, C replaced by T.
Protein change: p.Arg499Ter; replaces arginine 499 with a stop codon.
Molecular consequence: nonsense.
Genome position (GRCh38, 1-based): chr8:22,148,312, G>A on the plus strand (C>T on the coding strand, the complement: LGI3 is on the minus strand). VCF-style: chr8-22148312-G-A. GRCh37 (hg19) VCF-style: chr8-22005825-G-A.
Other names: short protein forms R499*.
Identifiers: ClinVar variation 4857626 (VCV004857626.1).